The following is an entry in ClinVar:

ClinVar aggregate classification (germline): Pathogenic (1 of 4 stars; one submission).

Conditions:
GLUT1 deficiency syndrome 1, autosomal recessive. Identifiers: MedGen C3149117.

Submission:

Labcorp Genetics (formerly Invitae), Labcorp
Classification: Pathogenic for GLUT1 deficiency syndrome 1, autosomal recessive. Last evaluated: 2019-10-09. Review status: criteria provided, single submitter. Criteria: Invitae Variant Classification Sherloc (09022015). Collection method: clinical testing. Allele origin: germline.
Comment: This variant is an in-frame deletion of the genomic region encompassing exons 2-8 of the SLC2A1 gene. It preserves the integrity of the reading frame. For these reasons, this variant has been classified as Pathogenic. Sub-genic deletion of exons 3-4 has been determined to be pathogenic (PMID: 23106342). Therefore, deletions that fully encompass that region are also expected to be pathogenic. Experimental studies and prediction algorithms are not available or were not evaluated, and the functional significance of this variant is currently unknown. This variant has not been reported in the literature in individuals with SLC2A1-related conditions.

Literature cited by the submitters: PubMed 23106342.

NC_000001.11:g.(?_42928912)_(42943341_?)del

Gene: SLC2A1 (solute carrier family 2 member 1; minus strand). Cytogenetic location: 1p34.2.
Variant type: Deletion.
Identifiers: ClinVar variation 831001 (VCV000831001.7).